The following is an entry in ClinVar:

ClinVar aggregate classification (germline): Uncertain significance (1 of 4 stars; one submission).

Conditions:
Bethlem myopathy 1A. Also called: Bethlem myopathy 1; MYOPATHY, BENIGN CONGENITAL, WITH CONTRACTURES; Bethlem Muscular Dystrophy. Identifiers: Orphanet 610, MedGen CN029274, MONDO:0024530, OMIM 158810.

Submission:

Labcorp Genetics (formerly Invitae), Labcorp
Classification: Uncertain significance for Bethlem myopathy 1A. Last evaluated: 2023-04-11. Review status: criteria provided, single submitter. Criteria: Invitae Variant Classification Sherloc (09022015). Collection method: clinical testing. Allele origin: germline.
Comment: In summary, the available evidence is currently insufficient to determine the role of this variant in disease. Therefore, it has been classified as a Variant of Uncertain Significance. Advanced modeling of protein sequence and biophysical properties (such as structural, functional, and spatial information, amino acid conservation, physicochemical variation, residue mobility, and thermodynamic stability) performed at Invitae indicates that this missense variant is not expected to disrupt COL6A3 protein function. This variant has not been reported in the literature in individuals affected with COL6A3-related conditions. This variant is not present in population databases (gnomAD no frequency). This sequence change replaces leucine, which is neutral and non-polar, with arginine, which is basic and polar, at codon 1723 of the COL6A3 protein (p.Leu1723Arg).

NM_004369.4(COL6A3):c.5168T>G (p.Leu1723Arg)

Gene: COL6A3 (collagen type VI alpha 3 chain; minus strand). Cytogenetic location: 2q37.3.
Variant type: single nucleotide variant.
Coding change: c.5168T>G on transcript NM_004369.4 (MANE Select); coding-DNA position 5168, T replaced by G.
Protein change: p.Leu1723Arg; replaces leucine 1723 with arginine.
Molecular consequence: missense variant.
Genome position (GRCh38, 1-based): chr2:237,367,019, A>C on the plus strand (T>G on the coding strand, the complement: COL6A3 is on the minus strand). VCF-style: chr2-237367019-A-C. GRCh37 (hg19) VCF-style: chr2-238275662-A-C.
Other names: c.3347T>G, p.Leu1116Arg (NM_057166.5); c.4550T>G, p.Leu1517Arg (NM_057167.4); short protein forms L1116R, L1517R, L1723R.
Identifiers: ClinVar variation 2855225 (VCV002855225.3), dbSNP rs2469883831, ClinGen allele CA351188239.